The following is an entry in ClinVar:

ClinVar aggregate classification (germline): Benign. Review status: criteria provided, multiple submitters, no conflicts (2 of 4 stars). 3 submissions from 3 submitters: Benign (2). 1 of the submissions does not count toward it. Last evaluated 2021-08-19.

Conditions:
KRT6C-related disorder. Also called: KRT6C-related condition.
Palmoplantar keratoderma, nonepidermolytic, focal or diffuse (PPKNEFD). Also called: PALMOPLANTAR KERATODERMA, FOCAL OR DIFFUSE. Identifiers: Orphanet 402003, MedGen C3810394, MONDO:0014327, OMIM 615735.

Allele frequency attached by ClinVar (database versions not stated): ESP Exome Variant Server 0.07952.

Submissions (3):

Genome-Nilou Lab
Classification: Benign for Palmoplantar keratoderma, nonepidermolytic, focal or diffuse. Last evaluated: 2021-08-19. Review status: criteria provided, single submitter. Criteria: ACMG Guidelines, 2015. Collection method: clinical testing. Allele origin: germline. Affected: no.

Breakthrough Genomics
Classification: Benign. Review status: criteria provided, single submitter. Criteria: ACMG Guidelines, 2015. Collection method: not provided. Allele origin: germline. Inheritance: Autosomal dominant inheritance. Affected: yes.

PreventionGenetics, part of Exact Sciences
Classification: Benign for KRT6C-related condition. Last evaluated: 2024-01-03. Review status: no assertion criteria provided. Collection method: clinical testing. Allele origin: germline. Not counted in ClinVar's aggregate classification.
Comment: This variant is classified as benign based on ACMG/AMP sequence variant interpretation guidelines (Richards et al. 2015 PMID: 25741868, with internal and published modifications).

NM_173086.5(KRT6C):c.687C>G (p.Val229=)

Gene: KRT6C (keratin 6C; minus strand). Cytogenetic location: 12q13.13.
Variant type: single nucleotide variant.
Coding change: c.687C>G on transcript NM_173086.5 (MANE Select); coding-DNA position 687, C replaced by G.
Protein change: p.Val229=; no amino-acid change (valine 229 retained).
Molecular consequence: synonymous variant.
Genome position (GRCh38, 1-based): chr12:52,472,134, G>C on the plus strand (C>G on the coding strand, the complement: KRT6C is on the minus strand). VCF-style: chr12-52472134-G-C. GRCh37 (hg19) VCF-style: chr12-52865918-G-C.
Other names: c.687C>G (NM_173086.4).
Identifiers: ClinVar variation 1300096 (VCV001300096.5), dbSNP rs425073, ClinGen allele CA6581481.